The following is an entry in ClinVar:

ClinVar aggregate classification (germline): Likely pathogenic (1 of 4 stars; one submission).

Conditions:
Wilson disease (WND). Also called: Wilson's disease. Identifiers: Orphanet 905, MedGen C0019202, MONDO:0010200, OMIM 277900. Disease mechanism: loss of function.

Submission:

Myriad Genetics, Inc.
Classification: Likely pathogenic for Wilson disease. Last evaluated: 2022-05-18. Review status: criteria provided, single submitter. Criteria: Myriad Women's Health Autosomal Recessive and X-Linked Classification Criteria (2021). Collection method: clinical testing. Allele origin: unknown.
Comment: NM_000053.3(ATP7B):c.416dupC(A140Cfs*23) is expected to be pathogenic in the context of Wilson disease. This variant is predicted to lead to an abnormal or absent protein product due to the creation of a premature termination codon in ATP7B, a gene where loss-of-function variants are known to be pathogenic. Please note: this variant was assessed in the context of healthy population screening.

NM_000053.4(ATP7B):c.416dup (p.Ala140fs)

Gene: ATP7B (ATPase copper transporting beta; minus strand). Cytogenetic location: 13q14.3.
Variant type: Duplication.
Coding change: c.416dup on transcript NM_000053.4 (MANE Select); coding-DNA position 416, one base duplicated (C; older notation c.416dupC).
Protein change: p.Ala140fs; shifts the reading frame from alanine 140.
Molecular consequence: frameshift variant.
Genome position (GRCh38, 1-based): chr13:51,974,804, G duplicated on the plus strand (C on the coding strand, the reverse complement: ATP7B is on the minus strand); the first of 2 consecutive G bases (chr13:51,974,804-51,974,805); duplicating either gives the same sequence. VCF-style (leftmost placement, unchanged base first): chr13-51974803-A-AG. GRCh37 (hg19) VCF-style: chr13-52548939-A-AG.
Other names: c.415dup, p.Ala140Cysfs (NM_001406548.1, NM_001406511.1, NM_001406512.1 and 26 more transcripts); c.416dup, p.Ala140fs (NM_001330579.2, NM_001005918.3, NM_001243182.2 and 1 more transcripts); c.319dup, p.Ala108Cysfs (NM_001406517.1, NM_001406518.1, NM_001406530.1 and 4 more transcripts); short protein forms A140fs.
Identifiers: ClinVar variation 1726141 (VCV001726141.2), dbSNP rs2547823042, ClinGen allele CA2580087769.
Genomic context (GRCh38, chr13:51,974,803, plus strand): 5'-GCTGACACAGGACTGGCAGGTCATGCCCTCCACCCGGAGCTTGACCACAGCCTCCTGGGC[A>AG]GGCAAGGACCTTGAGGGCCAGGAGGCTGCCTTTCCTTCTGCAATGCTGGCCTCGAAGCCC-3'